The following is an entry in ClinVar:

NM_004655.4(AXIN2):c.1349C>G (p.Pro450Arg)

Gene: AXIN2 (axin 2; minus strand). Cytogenetic location: 17q24.1.
Variant type: single nucleotide variant.
Coding change: c.1349C>G on transcript NM_004655.4 (MANE Select); coding-DNA position 1349, C replaced by G.
Protein change: p.Pro450Arg; replaces proline 450 with arginine.
Molecular consequence: missense variant.
Genome position (GRCh38, 1-based): chr17:65,537,687, G>C on the plus strand (C>G on the coding strand, the complement: AXIN2 is on the minus strand). VCF-style: chr17-65537687-G-C. GRCh37 (hg19) VCF-style: chr17-63533805-G-C.
Other names: c.1349C>G, p.Pro450Arg (NM_001363813.1); short protein forms P450R.
Identifiers: ClinVar variation 1770545 (VCV001770545.6), dbSNP rs777265234, ClinGen allele CA400677673.
Genomic context (GRCh38, chr17:65,537,687, plus strand): 5'-TGGTGGTCCGGGGAGCGGGAGCGGGGGCTATAGCGGCCTACGCCTGGAGACTGGCAGCCA[G>C]GGGTCTTGAGGACCCTGGACAGGTGATCGTCCAGTATCGTCTGCGGGTCTTCCTCGTAGC-3'
Protein context (NP_004646.3, residues 440-460): DDHLSRVLKT[Pro450Arg]GCQSPGVGRY

ClinVar aggregate classification (germline): Uncertain significance. Review status: criteria provided, multiple submitters, no conflicts (2 of 4 stars). 2 submissions from 2 submitters: Uncertain significance (2). Last evaluated 2025-03-07.

Conditions:
Hereditary cancer-predisposing syndrome. Also called: Hereditary Cancer Syndrome; Hereditary neoplastic syndrome; Neoplastic Syndromes, Hereditary; Tumor predisposition. Identifiers: Orphanet 140162, MedGen C0027672, MeSH D009386, MONDO:0015356.
Oligodontia-cancer predisposition syndrome. Also called: TOOTH AGENESIS-COLORECTAL CANCER SYNDROME. Identifiers: Orphanet 300576, MedGen C1837750, MONDO:0012075, OMIM 608615. Disease mechanism: loss of function.

Submissions (2):

Ambry Genetics
Classification: Uncertain significance for Hereditary cancer-predisposing syndrome. Last evaluated: 2025-03-07. Review status: criteria provided, single submitter. Criteria: Ambry Variant Classification Scheme 2023. Collection method: clinical testing. Allele origin: germline.
Comment: The p.P450R variant (also known as c.1349C>G), located in coding exon 5 of the AXIN2 gene, results from a C to G substitution at nucleotide position 1349. The proline at codon 450 is replaced by arginine, an amino acid with dissimilar properties. This amino acid position is highly conserved in available vertebrate species. In addition, this alteration is predicted to be deleterious by in silico analysis. Based on the available evidence, the clinical significance of this variant remains unclear.

Labcorp Genetics (formerly Invitae), Labcorp
Classification: Uncertain significance for Oligodontia-cancer predisposition syndrome. Last evaluated: 2022-11-18. Review status: criteria provided, single submitter. Criteria: Invitae Variant Classification Sherloc (09022015). Collection method: clinical testing. Allele origin: germline.
Comment: In summary, the available evidence is currently insufficient to determine the role of this variant in disease. Therefore, it has been classified as a Variant of Uncertain Significance. Advanced modeling of protein sequence and biophysical properties (such as structural, functional, and spatial information, amino acid conservation, physicochemical variation, residue mobility, and thermodynamic stability) performed at Invitae indicates that this missense variant is expected to disrupt AXIN2 protein function. This variant has not been reported in the literature in individuals affected with AXIN2-related conditions. This variant is not present in population databases (gnomAD no frequency). This sequence change replaces proline, which is neutral and non-polar, with arginine, which is basic and polar, at codon 450 of the AXIN2 protein (p.Pro450Arg).